The following is an entry in ClinVar:

NM_002755.4(MAP2K1):c.435C>T (p.His145=)

Gene: MAP2K1 (mitogen-activated protein kinase kinase 1; plus strand). Cytogenetic location: 15q22.31.
Variant type: single nucleotide variant.
Coding change: c.435C>T on transcript NM_002755.4 (MANE Select); coding-DNA position 435, C replaced by T.
Protein change: p.His145=; no amino-acid change (histidine 145 retained).
Molecular consequence: synonymous variant.
Genome position (GRCh38, 1-based): chr15:66,436,889, C>T. VCF-style: chr15-66436889-C-T. GRCh37 (hg19) VCF-style: chr15-66729227-C-T.
Identifiers: ClinVar variation 1691384 (VCV001691384.2), dbSNP rs1369638918, ClinGen allele CA490856254.

ClinVar aggregate classification (germline): Uncertain significance (1 of 4 stars; one submission).

Allele frequency attached by ClinVar (database versions not stated): gnomAD exomes 0.00001; TOPMed 0.00001.
gnomAD v4.1: 12 of 1,614,104 alleles (0.00074%); highest among the groups gnomAD compares: Non-Finnish European, 0.001%; no homozygotes.

Submission:

Seattle Children's Hospital Molecular Genetics Laboratory, Seattle Children's Hospital
Classification: Uncertain significance. Review status: criteria provided, single submitter. Criteria: ACMG Guidelines, 2015. Collection method: clinical testing. Allele origin: germline. Affected: yes.
Comment: The c.435C>T variant has not been previously reported in association with any disease. This variant has been observed in two heterozygous individuals in the Trans-Omics for Precision Medicine (TOPMed) database. Further phenotypic information from this diverse study cohort was not available. This variant has not been reported in the medical literature, ClinVar, nor Genome Aggregation databases. The c.435C>T variant is 4 nucleotides from the splice junction of exon 3 and intron 3. This is predicted to be a synonymous variant. It is not known if this change impacts splicing, but two computational tools predict this change has little or no impact on splicing (SpliceAI and Transcript Inferred Pathogenicity Score). This is a moderately conserved nucleotide position (GERP 3.19).